The following is an entry in ClinVar:

ClinVar aggregate classification (germline): Uncertain significance (1 of 4 stars; one submission).

Conditions:
Glycogen storage disease, type VII (GSD7). Also called: MUSCLE PHOSPHOFRUCTOKINASE DEFICIENCY; PFKM DEFICIENCY; TARUI DISEASE; GSD VII. Identifiers: Orphanet 371, MedGen C0017926, MONDO:0009295, OMIM 232800.

Submission:

Labcorp Genetics (formerly Invitae), Labcorp
Classification: Uncertain significance for Glycogen storage disease, type VII. Last evaluated: 2022-01-07. Review status: criteria provided, single submitter. Criteria: Invitae Variant Classification Sherloc (09022015). Collection method: clinical testing. Allele origin: germline.
Comment: In summary, the available evidence is currently insufficient to determine the role of this variant in disease. Therefore, it has been classified as a Variant of Uncertain Significance. Algorithms developed to predict the effect of missense changes on protein structure and function are either unavailable or do not agree on the potential impact of this missense change (SIFT: "Tolerated"; PolyPhen-2: "Possibly Damaging"; Align-GVGD: "Class C0"). This variant has not been reported in the literature in individuals affected with PFKM-related conditions. This variant is not present in population databases (gnomAD no frequency). This sequence change replaces asparagine, which is neutral and polar, with threonine, which is neutral and polar, at codon 642 of the PFKM protein (p.Asn642Thr).

NM_000289.6(PFKM):c.1925A>C (p.Asn642Thr)

Gene: PFKM (phosphofructokinase, muscle; plus strand). Cytogenetic location: 12q13.11.
Variant type: single nucleotide variant.
Coding change: c.1925A>C on transcript NM_000289.6 (MANE Select); coding-DNA position 1925, A replaced by C.
Protein change: p.Asn642Thr; replaces asparagine 642 with threonine.
Molecular consequence: missense variant. On other transcripts: non-coding transcript variant (6).
Genome position (GRCh38, 1-based): chr12:48,144,090, A>C. VCF-style: chr12-48144090-A-C. GRCh37 (hg19) VCF-style: chr12-48537873-A-C.
Other names: c.2138A>C, p.Asn713Thr (NM_001166686.2, NM_001354737.1, NM_001354738.1 and 1 more transcripts); c.1925A>C, p.Asn642Thr (NM_001166687.2, NM_001166688.2, NM_001354742.2 and 2 more transcripts); c.2234A>C, p.Asn745Thr (NM_001354735.1, NM_001354736.1); c.2069A>C, p.Asn690Thr (NM_001354740.1); c.1949A>C, p.Asn650Thr (NM_001354741.2); c.1838A>C, p.Asn613Thr (NM_001354745.2); c.1799A>C, p.Asn600Thr (NM_001354746.2); c.1775A>C, p.Asn592Thr (NM_001354747.2, NM_001354748.2); and 1 more; short protein forms N592T, N642T, N611T, N613T, N650T, N713T, N745T, N600T.
Identifiers: ClinVar variation 1977847 (VCV001977847.5), dbSNP rs141550921, ClinGen allele CA384554947.